The following is an entry in ClinVar:

ClinVar aggregate classification (germline): Uncertain significance (1 of 4 stars; one submission).

Submission:

GeneDx
Classification: Uncertain significance. Last evaluated: 2019-07-29. Review status: criteria provided, single submitter. Criteria: GeneDx Variant Classification Process June 2021. Collection method: clinical testing. Allele origin: germline. Affected: yes.
Comment: Not observed in large population cohorts (Lek et al., 2016); In silico analysis, which includes protein predictors and evolutionary conservation, supports that this variant does not alter protein structure/function; Has not been previously published as pathogenic or benign to our knowledge

NM_001044385.3(TMEM237):c.679A>T (p.Met227Leu)

Gene: TMEM237 (transmembrane protein 237; minus strand). Cytogenetic location: 2q33.1.
Variant type: single nucleotide variant.
Coding change: c.679A>T on transcript NM_001044385.3 (MANE Select); coding-DNA position 679, A replaced by T.
Protein change: p.Met227Leu; replaces methionine 227 with leucine.
Molecular consequence: missense variant.
Genome position (GRCh38, 1-based): chr2:201,629,420, T>A on the plus strand (A>T on the coding strand, the complement: TMEM237 is on the minus strand). VCF-style: chr2-201629420-T-A. GRCh37 (hg19) VCF-style: chr2-202494143-T-A.
Other names: c.655A>T, p.Met219Leu (NM_152388.4); short protein forms M219L, M227L.
Identifiers: ClinVar variation 424335 (VCV000424335.3), dbSNP rs1064796917, ClinGen allele CA16617416.